The following is an entry in ClinVar:

ClinVar aggregate classification (germline): Conflicting classifications of pathogenicity. Review status: criteria provided, conflicting classifications (1 of 4 stars). 10 submissions from 9 submitters: Uncertain significance (1); Benign (1); Likely benign (8). Last evaluated 2026-06-23.

Conditions:
Cardiovascular phenotype. Identifiers: MedGen CN230736.
Catecholaminergic polymorphic ventricular tachycardia 1. Also called: VENTRICULAR TACHYCARDIA, CATECHOLAMINERGIC POLYMORPHIC, 1, WITH OR WITHOUT ATRIAL DYSFUNCTION AND/OR DILATED CARDIOMYOPATHY; VENTRICULAR TACHYCARDIA, STRESS-INDUCED POLYMORPHIC 1; RYR2-Related Catecholaminergic Polymorphic Ventricular Tachycardia. Identifiers: Orphanet 3286, MedGen C1631597, MONDO:0011484, OMIM 604772.
Cardiomyopathy (CMYO). Also called: Cardiomyopathies. Identifiers: Orphanet 167848, MedGen C0878544, MONDO:0004994, HP:0001638. Inheritance: Various modes of inheritance.
Arrhythmogenic right ventricular dysplasia 2. Identifiers: MedGen C1832931.

Allele frequency attached by ClinVar (database versions not stated): 1000 Genomes Project 30x 0.00016; ESP Exome Variant Server 0.00016; gnomAD 0.00016; gnomAD exomes 0.00019 and 0.00024; 1000 Genomes Project 0.00020; ExAC 0.00020; TOPMed 0.00024.
gnomAD v4.1: 316 of 1,606,036 alleles (0.02%); highest among the groups gnomAD compares: Middle Eastern, 0.017%; no homozygotes.

Submissions (10):

Women's Health and Genetics/Laboratory Corporation of America, LabCorp
Classification: Likely benign. Last evaluated: 2026-06-23. Review status: criteria provided, single submitter. Criteria: LabCorp Variant Classification Summary - May 2015. Collection method: clinical testing. Allele origin: germline.
Comment: Variant summary: RYR2 c.4445G>A (p.Arg1482His) results in a non-conservative amino acid change in the encoded protein sequence. Algorithms developed to predict the effect of missense changes on protein structure and function are either unavailable or do not agree on the potential impact of this missense change. The variant allele was found at a frequency of 0.00024 in 240782 control chromosomes. The observed variant frequency exceeds the estimated maximal expected allele frequency for disease-causing variants in RYR2. c.4445G>A has been observed in at least one individual affected with Catecholaminergic Polymorphic Ventricular Tachycardia and at least one individual affected with Brugada syndrome, however without strong evidence for causality in both cases (e.g., Landstrom_2017, Seidelmann_2017). Additionally, c.4445G>A has been reported as a "likely not pathogenic" variant in the settings of exome sequencing in the ClinSeq cohort not selected for arrhythmia, cardiomyopathy, or a family history of sudden death (Ng_2013). These reports do not provide unequivocal conclusions about association of the variant with disease. To our knowledge, no experimental evidence demonstrating an impact on protein function has been reported. The following publications have been ascertained in the context of this evaluation (PMID: 23861362, 28404607, 28087566). ClinVar contains an entry for this variant (Variation ID: 191544). Based on the evidence outlined above, the variant was classified as likely benign.

Labcorp Genetics (formerly Invitae), Labcorp
Classification: Likely benign for Catecholaminergic polymorphic ventricular tachycardia 1. Last evaluated: 2026-01-28. Review status: criteria provided, single submitter. Criteria: Invitae Variant Classification Sherloc (09022015). Collection method: clinical testing. Allele origin: germline.

CeGaT Center for Human Genetics Tuebingen
Classification: Benign. Last evaluated: 2024-05-01. Review status: criteria provided, single submitter. Criteria: CeGaT Center For Human Genetics Tuebingen Variant Classification Criteria Version 2. Collection method: clinical testing. Allele origin: germline. Affected: yes. Observed: 1 variant allele.
Comment: RYR2: BS1, BS2

GeneDx
Classification: Likely benign. Last evaluated: 2020-02-17. Review status: criteria provided, single submitter. Criteria: GeneDx Variant Classification Process June 2021. Collection method: clinical testing. Allele origin: germline. Affected: yes.
Comment: Has not been previously published as pathogenic or benign to our knowledge; Reported with conflicting interpretations of pathogenicity by other clinical laboratories in ClinVar (ClinVar Variant ID# 191544; Landrum et al., 2016); In silico analysis supports that this missense variant has a deleterious effect on protein structure/function; Not located in one of the three hot-spot regions of the RYR2 gene, where the majority of pathogenic missense variants occur (Medeiros-Domingo et al., 2009)

Ambry Genetics
Classification: Likely benign for Cardiovascular phenotype. Last evaluated: 2018-06-30. Review status: criteria provided, single submitter. Criteria: Ambry Variant Classification Scheme 2023. Collection method: clinical testing. Allele origin: germline.

Color Diagnostics, LLC DBA Color Health
Classification: Likely benign for Cardiomyopathy. Last evaluated: 2018-04-26. Review status: criteria provided, single submitter. Criteria: ACMG Guidelines, 2015. Collection method: clinical testing. Allele origin: germline.

Laboratory for Molecular Medicine, Mass General Brigham Personalized Medicine
Classification: Likely benign. Last evaluated: 2018-04-10. Review status: criteria provided, single submitter. Criteria: LMM Criteria. Collection method: clinical testing. Allele origin: germline. Observed: 1 variant allele.
Comment: proposed classification - variant undergoing re-assessment, contact laboratory

Illumina Laboratory Services, Illumina
Classification: Uncertain significance for Catecholaminergic polymorphic ventricular tachycardia 1. Last evaluated: 2018-01-13. Review status: criteria provided, single submitter. Criteria: ICSL Variant Classification Criteria 13 December 2019. Collection method: clinical testing. Allele origin: germline.

Illumina Laboratory Services, Illumina
Classification: Likely benign for Catecholaminergic polymorphic ventricular tachycardia 1. Last evaluated: 2018-01-13. Review status: criteria provided, single submitter. Criteria: ICSL Variant Classification Criteria 13 December 2019. Collection method: clinical testing. Allele origin: germline.
Comment: This variant was observed in the ICSL laboratory as part of a predisposition screen in an ostensibly healthy population. It had not been previously curated by ICSL or reported in the Human Gene Mutation Database (HGMD: prior to June 1st, 2018), and was therefore a candidate for classification through an automated scoring system. Utilizing variant allele frequency, disease prevalence and penetrance estimates, and inheritance mode, an automated score was calculated to assess if this variant is too frequent to cause the disease. Based on the score and internal cut-off values, a variant classified as likely benign is not then subjected to further curation. The score for this variant resulted in a classification of likely benign for this disease.

Biesecker Lab/Clinical Genomics Section, National Institutes of Health
Classification: Likely benign. Last evaluated: 2013-06-24. Review status: criteria provided, single submitter. Criteria: Ng et al. (Circ Cardiovasc Genet. 2013). Collection method: research. Allele origin: unknown. Observed: 1 variant allele. Study: ClinSeq.
Comment: The study set was not selected for affection status in relation to any cancer. Pathogenicity categories were based on literature curation. See Pubmed ID:23861362 for details.

Medical sequencing

Literature cited by the submitters: PubMed 23861362 (cited by Women's Health and Genetics/Laboratory Corporation of America, LabCorp and Ambry Genetics); PubMed 28404607 (cited by Women's Health and Genetics/Laboratory Corporation of America, LabCorp); PubMed 28087566 (cited by Women's Health and Genetics/Laboratory Corporation of America, LabCorp and Ambry Genetics).

NM_001035.3(RYR2):c.4445G>A (p.Arg1482His)

Gene: RYR2 (ryanodine receptor 2; plus strand). Cytogenetic location: 1q43.
Variant type: single nucleotide variant.
Coding change: c.4445G>A on transcript NM_001035.3 (MANE Select); coding-DNA position 4445, G replaced by A.
Protein change: p.Arg1482His; replaces arginine 1482 with histidine.
Molecular consequence: missense variant.
Genome position (GRCh38, 1-based): chr1:237,595,506, G>A. VCF-style: chr1-237595506-G-A. GRCh37 (hg19) VCF-style: chr1-237758806-G-A.
Other names: p.R1482H:CGC>CAC; short protein forms R1482H.
Identifiers: ClinVar variation 191544 (VCV000191544.49), dbSNP rs373024059, ClinGen allele CA009533.